The following is an entry in ClinVar:

NM_003919.3(SGCE):c.391A>G (p.Ile131Val)

Genes: CASD1 (CAS1 domain sialic acid O acetyltransferase 1; plus strand), SGCE (sarcoglycan epsilon; minus strand). Cytogenetic location: 7q21.3.
Variant type: single nucleotide variant.
Coding change: c.391A>G on transcript NM_003919.3 (MANE Select); coding-DNA position 391, A replaced by G.
Protein change: p.Ile131Val; replaces isoleucine 131 with valine.
Molecular consequence: missense variant.
Genome position (GRCh38, 1-based): chr7:94,623,397, T>C on the plus strand (A>G on the coding strand, the complement: SGCE is on the minus strand). VCF-style: chr7-94623397-T-C. GRCh37 (hg19) VCF-style: chr7-94252709-T-C.
Other names: c.391A>G, p.Ile131Val (NM_001099400.2, NM_001099401.2, NM_001346717.2); c.268A>G, p.Ile90Val (NM_001301139.2, NM_001362809.2); c.499A>G, p.Ile167Val (NM_001346713.2, NM_001346715.2); c.304A>G, p.Ile102Val (NM_001346719.2, NM_001362807.2); c.118A>G, p.Ile40Val (NM_001346720.2, NM_001362808.2); short protein forms I131V, I167V, I102V, I40V, I90V.
Identifiers: ClinVar variation 374642 (VCV000374642.66), dbSNP rs370609227, ClinGen allele CA4348814.

ClinVar aggregate classification (germline): Conflicting classifications of pathogenicity. Review status: criteria provided, conflicting classifications (1 of 4 stars). 9 submissions from 9 submitters: Uncertain significance (6); Benign (1). 2 of the submissions do not count toward it. Last evaluated 2025-08-25.

Conditions:
Myoclonic dystonia 11 (DYT11). Also called: Dystonia 11; Dystonia, alcohol responsive; Hereditary essential myoclonus; SGCE Myoclonus-Dystonia; Myoclonus-Dystonia; DYT-SGCE. Identifiers: Orphanet 36899, MedGen C1834570, MONDO:0008044, OMIM 159900.
Inborn genetic diseases. Identifiers: MedGen C0950123, MeSH D030342.

Allele frequency attached by ClinVar (database versions not stated): gnomAD 0.00014 and 0.00015; ESP Exome Variant Server 0.00015; gnomAD exomes 0.00018; TOPMed 0.00019; ExAC 0.00027.
gnomAD v4.1: 282 of 1,590,418 alleles (0.018%); highest among the groups gnomAD compares: Non-Finnish European, 0.024%; 1 homozygote.

Submissions (9):

Ambry Genetics
Classification: Uncertain significance for Inborn genetic diseases. Last evaluated: 2025-08-25. Review status: criteria provided, single submitter. Criteria: Ambry Variant Classification Scheme 2023. Collection method: clinical testing. Allele origin: germline.

Labcorp Genetics (formerly Invitae), Labcorp
Classification: Uncertain significance for Myoclonic dystonia 11. Last evaluated: 2024-10-04. Review status: criteria provided, single submitter. Criteria: Invitae Variant Classification Sherloc (09022015). Collection method: clinical testing. Allele origin: germline.
Comment: This sequence change replaces isoleucine, which is neutral and non-polar, with valine, which is neutral and non-polar, at codon 131 of the SGCE protein (p.Ile131Val). This variant is present in population databases (rs370609227, gnomAD 0.04%), and has an allele count higher than expected for a pathogenic variant. This variant has not been reported in the literature in individuals affected with SGCE-related conditions. ClinVar contains an entry for this variant (Variation ID: 374642). An algorithm developed to predict the effect of missense changes on protein structure and function (PolyPhen-2) suggests that this variant¬†is likely to be tolerated. In summary, the available evidence is currently insufficient to determine the role of this variant in disease. Therefore, it has been classified as a Variant of Uncertain Significance.

Revvity Omics, Revvity
Classification: Uncertain significance for Myoclonic dystonia 11. Last evaluated: 2024-06-18. Review status: criteria provided, single submitter. Criteria: ACMG Guidelines, 2015. Collection method: clinical testing. Allele origin: germline.

Women's Health and Genetics/Laboratory Corporation of America, LabCorp
Classification: Uncertain significance. Last evaluated: 2024-04-17. Review status: criteria provided, single submitter. Criteria: LabCorp Variant Classification Summary - May 2015. Collection method: clinical testing. Allele origin: germline.
Comment: Variant summary: SGCE c.391A>G (p.Ile131Val) results in a conservative amino acid change located in the dystroglycan-type cadherin-like domain (IPR006644) of the encoded protein sequence. Three of five in-silico tools predict a benign effect of the variant on protein function. The variant is located near a canonical splice site and therefore may affect splicing. Several computational tools predict a significant impact on normal splicing: Three predict the variant creates a 5' donor site. Two predict the variant strengthens a 3' acceptor site. However, these predictions have yet to be confirmed by functional studies. The variant allele was found at a frequency of 0.00018 in 247766 control chromosomes, predominantly at a frequency of 0.00037 within the Non-Finnish European subpopulation in the gnomAD database. This frequency is higher than would be expected for a rare autosomal dominant disorder, suggesting the variant may be benign. However it should be noted that in SGCE-related Myoclonic Dystonia, penetrance is determined by parental origin of the altered allele due to maternal imprinting, therefore a pathogenic variant on the maternally-derived SGCE allele typically does not result in the disease phenotype (Raymond_2003, Gene Reviews), making it difficult to interpret whether the frequency of the c.391A>G variant in the control population allows for any conclusion about variant significance. To our knowledge, no occurrence of c.391A>G in individuals affected with Myoclonic Dystonia 11 and no experimental evidence demonstrating its impact on protein function have been reported. ClinVar contains an entry for this variant (Variation ID: 374642). Based on the evidence outlined above, the variant was classified as uncertain significance.

Illumina Laboratory Services, Illumina
Classification: Benign for Myoclonic dystonia 11. Last evaluated: 2018-01-13. Review status: criteria provided, single submitter. Criteria: ICSL Variant Classification Criteria 13 December 2019. Collection method: clinical testing. Allele origin: germline.
Comment: This variant was observed in the ICSL laboratory as part of a predisposition screen in an ostensibly healthy population. It had not been previously curated by ICSL or reported in the Human Gene Mutation Database (HGMD: prior to June 1st, 2018), and was therefore a candidate for classification through an automated scoring system. Utilizing variant allele frequency, disease prevalence and penetrance estimates, and inheritance mode, an automated score was calculated to assess if this variant is too frequent to cause the disease. Based on the score and internal cut-off values, a variant classified as benign is not then subjected to further curation. The score for this variant resulted in a classification of benign for this disease.

CeGaT Center for Human Genetics Tuebingen
Classification: Uncertain significance. Last evaluated: 2017-04-01. Review status: criteria provided, single submitter. Criteria: CeGaT Center For Human Genetics Tuebingen Variant Classification Criteria Version 2. Collection method: clinical testing. Allele origin: germline. Affected: yes. Observed: 1 variant allele.

Eurofins Ntd Llc (ga)
Classification: Uncertain significance. Last evaluated: 2016-10-10. Review status: criteria provided, single submitter. Criteria: EGL Classification Definitions 2015. Collection method: clinical testing. Allele origin: germline. Observed: 1 variant allele, 1 heterozygote.

Clinical Genetics DNA and cytogenetics Diagnostics Lab, Erasmus MC, Erasmus Medical Center
Classification: Uncertain significance. Review status: no assertion criteria provided. Collection method: clinical testing. Allele origin: germline. Affected: yes. Study: VKGL Data-share Consensus. Not counted in ClinVar's aggregate classification.

Laboratory of Diagnostic Genome Analysis, Leiden University Medical Center (LUMC)
Classification: Uncertain significance. Review status: no assertion criteria provided. Collection method: clinical testing. Allele origin: germline. Affected: yes. Study: VKGL Data-share Consensus. Not counted in ClinVar's aggregate classification.